The following is an entry in ClinVar:

NM_000245.4(MET):c.2888-20T>C

Gene: MET (MET proto-oncogene, receptor tyrosine kinase; plus strand). Cytogenetic location: 7q31.2.
Variant type: single nucleotide variant.
Coding change: c.2888-20T>C on transcript NM_000245.4 (MANE Select); 20 bases into the intron before coding-DNA position 2888, T replaced by C.
Molecular consequence: intron variant.
Genome position (GRCh38, 1-based): chr7:116,771,829, T>C. VCF-style: chr7-116771829-T-C. GRCh37 (hg19) VCF-style: chr7-116411883-T-C.
Other names: c.2942-20T>C (NM_001127500.3); c.1598-20T>C (NM_001324402.2).
Identifiers: ClinVar variation 3773026 (VCV003773026.1).

ClinVar aggregate classification (germline): Likely benign (1 of 4 stars; one submission).

Conditions:
Papillary renal cell carcinoma type 1 (RCCP1). Also called: Renal adenocarcinoma; Renal cell carcinoma 1; Renal cell carcinoma, somatic; RENAL CELL CARCINOMA, PAPILLARY, 1, SOMATIC. Identifiers: Orphanet 47044, MedGen C1336839, OMIM 605074, HP:0011797.

gnomAD v4.1: 11 of 1,613,696 alleles (0.00068%); highest among the groups gnomAD compares: Non-Finnish European, 0.00093%; no homozygotes.

Submission:

Myriad Genetics, Inc.
Classification: Likely benign for Papillary renal cell carcinoma type 1. Last evaluated: 2024-11-12. Review status: criteria provided, single submitter. Criteria: Myriad Autosomal Dominant, Autosomal Recessive and X-Linked Classification Criteria (2023). Collection method: clinical testing. Allele origin: unknown.
Comment: This variant is considered likely benign. This variant is intronic and is not expected to impact mRNA splicing.